The following is an entry in ClinVar:

ClinVar aggregate classification (germline): Conflicting classifications of pathogenicity. Review status: criteria provided, conflicting classifications (1 of 4 stars). 5 submissions from 5 submitters: Uncertain significance (2); Likely benign (2). 1 of the submissions does not count toward it. Last evaluated 2025-10-05.

Conditions:
Kabuki syndrome. Also called: Kabuki make-up syndrome; NIIKAWA-KUROKI SYNDROME. Identifiers: Orphanet 2322, MedGen C0796004, MONDO:0016512.

Allele frequency attached by ClinVar (database versions not stated): gnomAD 0.00009 and 0.00008; ESP Exome Variant Server 0.00024; TOPMed 0.00003; gnomAD exomes 0.00006; ExAC 0.00008.
gnomAD v4.1: 100 of 1,613,734 alleles (0.0062%); highest among the groups gnomAD compares: Non-Finnish European, 0.0081%; no homozygotes.

Submissions (5):

Labcorp Genetics (formerly Invitae), Labcorp
Classification: Likely benign for Kabuki syndrome. Last evaluated: 2025-10-05. Review status: criteria provided, single submitter. Criteria: Invitae Variant Classification Sherloc (09022015). Collection method: clinical testing. Allele origin: germline.

Blueprint Genetics
Classification: Likely benign. Last evaluated: 2024-10-02. Review status: criteria provided, single submitter. Criteria: ACMG Guidelines, 2015. Collection method: clinical testing. Allele origin: germline.

CeGaT Center for Human Genetics Tuebingen
Classification: Uncertain significance. Last evaluated: 2022-07-01. Review status: criteria provided, single submitter. Criteria: CeGaT Center For Human Genetics Tuebingen Variant Classification Criteria Version 2. Collection method: clinical testing. Allele origin: germline. Affected: yes. Observed: 1 variant allele.
Comment: KMT2D: PP2, BP5

Athena Diagnostics
Classification: Uncertain significance. Last evaluated: 2019-10-02. Review status: criteria provided, single submitter. Criteria: Athena Diagnostics Criteria. Collection method: clinical testing. Allele origin: unknown.

ITMI
No classification provided. Condition: AllHighlyPenetrant. Last evaluated: 2013-09-19. Review status: no classification provided. Collection method: reference population. Allele origin: germline. Not counted in ClinVar's aggregate classification.
Comment: Please see associated publication for description of ethnicities

Literature cited by the submitters: PubMed 24728327 (cited by Athena Diagnostics and ITMI).

NM_003482.4(KMT2D):c.8006T>G (p.Met2669Arg)

Gene: KMT2D (lysine methyltransferase 2D; minus strand). Cytogenetic location: 12q13.12.
Variant type: single nucleotide variant.
Coding change: c.8006T>G on transcript NM_003482.4 (MANE Select); coding-DNA position 8006, T replaced by G.
Protein change: p.Met2669Arg; replaces methionine 2669 with arginine.
Molecular consequence: missense variant.
Genome position (GRCh38, 1-based): chr12:49,039,764, A>C on the plus strand (T>G on the coding strand, the complement: KMT2D is on the minus strand). VCF-style: chr12-49039764-A-C. GRCh37 (hg19) VCF-style: chr12-49433547-A-C.
Other names: short protein forms M2669R.
Identifiers: ClinVar variation 134702 (VCV000134702.35), dbSNP rs372520829, ClinGen allele CA160571.
Genomic context (GRCh38, chr12:49,039,764, plus strand): 5'-GCTCCAGGGTGTCAACTTACCTGCCGTTGCTTCTCCAGCTCTGTTTGGCTAAGGCCGGAC[A>C]TGCCTGGGTCCTGGGTACCTGGGAGTTCAGCTGTCGCCAAAGAGCTACCCATTCCAGTCC-3'
Protein context (NP_003473.3, residues 2659-2679): AELPGTQDPG[Met2669Arg]SGLSQTELEK